The following is an entry in ClinVar:

NM_001961.4(EEF2):c.1541C>T (p.Pro514Leu)

Gene: EEF2 (eukaryotic translation elongation factor 2; minus strand). Cytogenetic location: 19p13.3.
Variant type: single nucleotide variant.
Coding change: c.1541C>T on transcript NM_001961.4 (MANE Select); coding-DNA position 1541, C replaced by T.
Protein change: p.Pro514Leu; replaces proline 514 with leucine.
Molecular consequence: missense variant.
Genome position (GRCh38, 1-based): chr19:3,979,872, G>A on the plus strand (C>T on the coding strand, the complement: EEF2 is on the minus strand). VCF-style: chr19-3979872-G-A. GRCh37 (hg19) VCF-style: chr19-3979870-G-A.
Other names: short protein forms P514L.
Identifiers: ClinVar variation 2896037 (VCV002896037.3), dbSNP rs2039723948, ClinGen allele CA403391933.
Genomic context (GRCh38, chr19:3,979,872, plus strand): 5'-ACCATGGGGTCGGACTTGGCCAGCCGCTTCAGCCCCTCCACCAGCTTGGGCAGGTCAGCC[G>A]GGTTCTTGGCCTCCACGGCCACTCTGACAACAGGGCTGACGCTGAACTTCATCACCCGCA-3'
Protein context (NP_001952.1, residues 504-524): VVRVAVEAKN[Pro514Leu]ADLPKLVEGL

ClinVar aggregate classification (germline): Uncertain significance (1 of 4 stars; one submission).

Allele frequency attached by ClinVar (database versions not stated): gnomAD exomes below 0.00001; gnomAD 0.00001.
gnomAD v4.1: 6 of 1,613,668 alleles (0.00037%); highest among the groups gnomAD compares: Non-Finnish European, 0.00051%; no homozygotes.

Submission:

Labcorp Genetics (formerly Invitae), Labcorp
Classification: Uncertain significance. Last evaluated: 2024-10-21. Review status: criteria provided, single submitter. Criteria: Invitae Variant Classification Sherloc (09022015). Collection method: clinical testing. Allele origin: germline.
Comment: This sequence change replaces proline, which is neutral and non-polar, with leucine, which is neutral and non-polar, at codon 514 of the EEF2 protein (p.Pro514Leu). This variant is not present in population databases (gnomAD no frequency). This variant has not been reported in the literature in individuals affected with EEF2-related conditions. Invitae Evidence Modeling of protein sequence and biophysical properties (such as structural, functional, and spatial information, amino acid conservation, physicochemical variation, residue mobility, and thermodynamic stability) has been performed for this missense variant. However, the output from this modeling did not meet the statistical confidence thresholds required to predict the impact of this variant on EEF2 protein function. In summary, the available evidence is currently insufficient to determine the role of this variant in disease. Therefore, it has been classified as a Variant of Uncertain Significance.